The following is an entry in ClinVar:

ClinVar aggregate classification (germline): Likely benign. Review status: criteria provided, single submitter (1 of 4 stars). 2 submissions from 2 submitters: Likely benign (1). 1 of the submissions does not count toward it. Last evaluated 2021-11-27.

Conditions:
SEPTIN9-related disorder. Also called: SEPTIN9-related condition.

gnomAD v4.1: 7 of 1,613,974 alleles (0.00043%); highest among the groups gnomAD compares: Non-Finnish European, 0.00059%; no homozygotes.

Submissions (2):

Labcorp Genetics (formerly Invitae), Labcorp
Classification: Likely benign. Last evaluated: 2021-11-27. Review status: criteria provided, single submitter. Criteria: Invitae Variant Classification Sherloc (09022015). Collection method: clinical testing. Allele origin: germline.

PreventionGenetics, part of Exact Sciences
Classification: Likely benign for SEPTIN9-related condition. Last evaluated: 2019-07-12. Review status: no assertion criteria provided. Collection method: clinical testing. Allele origin: germline. Not counted in ClinVar's aggregate classification.
Comment: This variant is classified as likely benign based on ACMG/AMP sequence variant interpretation guidelines (Richards et al. 2015 PMID: 25741868, with internal and published modifications).

NM_001113491.2(SEPTIN9):c.1386C>G (p.Thr462=)

Gene: SEPTIN9 (septin 9; plus strand). Cytogenetic location: 17q25.3.
Variant type: single nucleotide variant.
Coding change: c.1386C>G on transcript NM_001113491.2 (MANE Select); coding-DNA position 1386, C replaced by G.
Protein change: p.Thr462=; no amino-acid change (threonine 462 retained).
Molecular consequence: synonymous variant.
Genome position (GRCh38, 1-based): chr17:77,492,626, C>G. VCF-style: chr17-77492626-C-G. GRCh37 (hg19) VCF-style: chr17-75488708-C-G.
Other names: c.1329C>G, p.Thr443= (NM_001293695.2); c.714C>G, p.Thr238= (NM_001293696.2); c.633C>G, p.Thr211= (NM_001293697.2, NM_001293698.2, NM_001113495.2 and 1 more transcripts); c.1332C>G, p.Thr444= (NM_006640.5); c.894C>G, p.Thr298= (NM_001113492.2, NM_001113494.1); c.1365C>G, p.Thr455= (NM_001113493.2); c.1386C>G (NM_001113491.1).
Identifiers: ClinVar variation 1682664 (VCV001682664.9), dbSNP rs377093783, ClinGen allele CA501955500.